The following is an entry in ClinVar:

ClinVar aggregate classification (germline): Uncertain significance (1 of 4 stars; one submission).

Submission:

Labcorp Genetics (formerly Invitae), Labcorp
Classification: Uncertain significance. Last evaluated: 2022-06-03. Review status: criteria provided, single submitter. Criteria: Invitae Variant Classification Sherloc (09022015). Collection method: clinical testing. Allele origin: germline.
Comment: This variant has not been reported in the literature in individuals affected with CD55-related conditions. In summary, the available evidence is currently insufficient to determine the role of this variant in disease. Therefore, it has been classified as a Variant of Uncertain Significance. Algorithms developed to predict the effect of missense changes on protein structure and function are either unavailable or do not agree on the potential impact of this missense change (SIFT: "Tolerated"; PolyPhen-2: "Possibly Damaging"; Align-GVGD: "Class C0"). ClinVar contains an entry for this variant (Variation ID: 1401802). This variant is not present in population databases (gnomAD no frequency). This sequence change replaces isoleucine, which is neutral and non-polar, with methionine, which is neutral and non-polar, at codon 180 of the CD55 protein (p.Ile180Met).

NM_000574.5(CD55):c.540A>G (p.Ile180Met)

Gene: CD55 (CD55 molecule (Cromer blood group); plus strand). Cytogenetic location: 1q32.2.
Variant type: single nucleotide variant.
Coding change: c.540A>G on transcript NM_000574.5 (MANE Select); coding-DNA position 540, A replaced by G.
Protein change: p.Ile180Met; replaces isoleucine 180 with methionine.
Molecular consequence: missense variant. On other transcripts: non-coding transcript variant (1).
Genome position (GRCh38, 1-based): chr1:207,325,683, A>G. VCF-style: chr1-207325683-A-G. GRCh37 (hg19) VCF-style: chr1-207499028-A-G.
Other names: c.540A>G, p.Ile180Met (NM_001114752.3, NM_001300902.2, NM_001300903.2 and 1 more transcripts); short protein forms I180M.
Identifiers: ClinVar variation 1401802 (VCV001401802.6), dbSNP rs2102382979, ClinGen allele CA344516826.